The following is an entry in ClinVar:

ClinVar aggregate classification (germline): Conflicting classifications of pathogenicity. Review status: criteria provided, conflicting classifications (1 of 4 stars). 5 submissions from 5 submitters: Uncertain significance (1); Benign (1); Likely benign (1). 2 of the submissions do not count toward it. Last evaluated 2024-08-28.

Conditions:
Galactosylceramide beta-galactosidase deficiency. Also called: Krabbe Disease; GALACTOCEREBROSIDASE DEFICIENCY; GALC DEFICIENCY; GLOBOID CELL LEUKOENCEPHALOPATHY; Leukodystrophy, Globoid Cell. Identifiers: Orphanet 487, MedGen C0023521, MONDO:0009499, OMIM 245200.
GALC-related disorder. Also called: GALC-related condition.

Allele frequency attached by ClinVar (database versions not stated): gnomAD exomes 0.00032; 1000 Genomes Project 0.00160; gnomAD 0.00238 and 0.00254; 1000 Genomes Project 30x 0.00265; TOPMed 0.00265.
gnomAD v4.1: 530 of 661,880 alleles (0.08%); highest among the groups gnomAD compares: African/African-American, 0.82%; 3 homozygotes.

Submissions (5):

Blueprint Genetics
Classification: Uncertain significance. Last evaluated: 2024-08-28. Review status: criteria provided, single submitter. Criteria: ACMG Guidelines, 2015. Collection method: clinical testing. Allele origin: germline.

Labcorp Genetics (formerly Invitae), Labcorp
Classification: Benign for Galactosylceramide beta-galactosidase deficiency. Last evaluated: 2024-04-01. Review status: criteria provided, single submitter. Criteria: Invitae Variant Classification Sherloc (09022015). Collection method: clinical testing. Allele origin: germline.

GeneDx
Classification: Likely benign. Last evaluated: 2021-03-26. Review status: criteria provided, single submitter. Criteria: GeneDx Variant Classification Process June 2021. Collection method: clinical testing. Allele origin: germline. Affected: yes.
Comment: This variant is associated with the following publications: (PMID: 26795590)

Natera, Inc.
Classification: Likely benign for Galactosylceramide beta-galactosidase deficiency. Last evaluated: 2019-10-25. Review status: no assertion criteria provided. Collection method: clinical testing. Allele origin: germline. Not counted in ClinVar's aggregate classification.

PreventionGenetics, part of Exact Sciences
Classification: Benign for GALC-related condition. Last evaluated: 2019-10-14. Review status: no assertion criteria provided. Collection method: clinical testing. Allele origin: germline. Not counted in ClinVar's aggregate classification.
Comment: This variant is classified as benign based on ACMG/AMP sequence variant interpretation guidelines (Richards et al. 2015 PMID: 25741868, with internal and published modifications).

NM_000153.4(GALC):c.-463C>T

Gene: GALC (galactosylceramidase; minus strand). Cytogenetic location: 14q31.3.
Variant type: single nucleotide variant.
Coding change: c.-463C>T on transcript NM_000153.4 (MANE Select); 463 bases upstream of the start codon, C replaced by T.
Molecular consequence: genic upstream transcript variant. On other transcripts: 5 prime UTR variant (1).
Genome position (GRCh38, 1-based): chr14:87,993,627, G>A on the plus strand (C>T on the coding strand, the complement: GALC is on the minus strand). VCF-style: chr14-87993627-G-A. GRCh37 (hg19) VCF-style: chr14-88459971-G-A.
Other names: c.-128C>T (NM_001201402.2).
Identifiers: ClinVar variation 1165832 (VCV001165832.16), dbSNP rs181956126, ClinGen allele CA265469529.
Genomic context (GRCh38, chr14:87,993,627, plus strand): 5'-GGTGGAATCACTTTGCTTTTGGAGCCTGAGTTTTCCCTTATGTGAGATGAGGCGAGAAGA[G>A]CAGCAGAGTGAGGGACTGAGAGAAAAGTTAATAAGCACTCAGTACATTTGAATGCATTCC-3'